The following is an entry in ClinVar:

ClinVar aggregate classification (germline): Uncertain significance. Review status: criteria provided, multiple submitters, no conflicts (2 of 4 stars). 3 submissions from 3 submitters: Uncertain significance (3). Last evaluated 2022-10-04.

Conditions:
Inborn genetic diseases. Identifiers: MedGen C0950123, MeSH D030342.
Wolcott-Rallison dysplasia. Also called: MED-IDDM SYNDROME; Wolcott-Rallison syndrome. Identifiers: Orphanet 1667, MedGen C0432217, MONDO:0009192, OMIM 226980.

Allele frequency attached by ClinVar (database versions not stated): gnomAD exomes 0.00003 and 0.00006; gnomAD 0.00004 and 0.00005; ExAC 0.00005; TOPMed 0.00005.
gnomAD v4.1: 47 of 1,613,660 alleles (0.0029%); highest among the groups gnomAD compares: Non-Finnish European, 0.0035%; no homozygotes.

Submissions (4):

Labcorp Genetics (formerly Invitae), Labcorp
Classification: Uncertain significance. Last evaluated: 2022-10-04. Review status: criteria provided, single submitter. Criteria: Invitae Variant Classification Sherloc (09022015). Collection method: clinical testing. Allele origin: germline.
Comment: This sequence change replaces glutamic acid, which is acidic and polar, with valine, which is neutral and non-polar, at codon 772 of the EIF2AK3 protein (p.Glu772Val). This variant is present in population databases (rs778904290, gnomAD 0.01%). This variant has not been reported in the literature in individuals affected with EIF2AK3-related conditions. ClinVar contains an entry for this variant (Variation ID: 998661). Algorithms developed to predict the effect of missense changes on protein structure and function are either unavailable or do not agree on the potential impact of this missense change (SIFT: "Deleterious"; PolyPhen-2: "Benign"; Align-GVGD: "Class C0"). Algorithms developed to predict the effect of sequence changes on RNA splicing suggest that this variant may create or strengthen a splice site. In summary, the available evidence is currently insufficient to determine the role of this variant in disease. Therefore, it has been classified as a Variant of Uncertain Significance.

Ambry Genetics
Classification: Uncertain significance for Inborn genetic diseases. Last evaluated: 2022-05-05. Review status: criteria provided, single submitter. Criteria: Ambry Variant Classification Scheme 2023. Collection method: clinical testing. Allele origin: germline.

Fulgent Genetics
Classification: Uncertain significance for Wolcott-Rallison dysplasia. Last evaluated: 2022-04-17. Review status: criteria provided, single submitter. Criteria: ACMG Guidelines, 2015. Collection method: clinical testing. Allele origin: unknown.

Dr. Peter K. Rogan Lab, Western University
No classification provided (evidence only). Condition: Thyroid cancer, nonmedullary, 1. Review status: no classification provided. Collection method: in vitro. Allele origin: not applicable. Functional consequence: retained intron. Not counted in ClinVar's aggregate classification.

NM_004836.7(EIF2AK3):c.2315A>T (p.Glu772Val)

Genes: EIF2AK3-AS1 (EIF2AK3 antisense RNA 1; plus strand), EIF2AK3 (eukaryotic translation initiation factor 2 alpha kinase 3; minus strand). Cytogenetic location: 2p11.2.
Variant type: single nucleotide variant.
Coding change: c.2315A>T on transcript NM_004836.7 (MANE Select); coding-DNA position 2315, A replaced by T.
Protein change: p.Glu772Val; replaces glutamic acid 772 with valine.
Molecular consequence: missense variant. On other transcripts: non-coding transcript variant (1).
Genome position (GRCh38, 1-based): chr2:88,575,168, T>A on the plus strand (A>T on the coding strand, the complement: EIF2AK3 is on the minus strand). VCF-style: chr2-88575168-T-A. GRCh37 (hg19) VCF-style: chr2-88874686-T-A.
Other names: c.2315A>T (NM_004836.5); c.1862A>T, p.Glu621Val (NM_001313915.2); short protein forms E621V, E772V.
Identifiers: ClinVar variation 998661 (VCV000998661.6), dbSNP rs778904290, ClinGen allele CA1754465.